The following is an entry in ClinVar:

ClinVar aggregate classification (germline): Benign/Likely benign. Review status: criteria provided, multiple submitters, no conflicts (2 of 4 stars). 3 submissions from 3 submitters: Benign (1); Likely benign (2). Last evaluated 2026-07-30.

Conditions:
Hereditary cancer-predisposing syndrome. Also called: Hereditary neoplastic syndrome; Neoplastic Syndromes, Hereditary; Tumor predisposition; Hereditary Cancer Syndrome. Identifiers: Orphanet 140162, MedGen C0027672, MeSH D009386, MONDO:0015356.
Hereditary pheochromocytoma and paraganglioma. Also called: Hereditary pheochromocytoma-paraganglioma; Hereditary paragangliomas and pheochromocytomas; Hereditary Paraganglioma-Pheochromocytoma Syndromes. Identifiers: Orphanet 29072, MedGen C4274332, MONDO:0017366.

Allele frequency attached by ClinVar (database versions not stated): gnomAD 0.00003 and 0.00002; gnomAD exomes below 0.00001; ExAC 0.00001; 1000 Genomes Project 30x 0.00016; TOPMed 0.00001; 1000 Genomes Project 0.00020.
gnomAD v4.1: 5 of 1,614,184 alleles (0.00031%); highest among the groups gnomAD compares: African/African-American, 0.0067%; no homozygotes.

Submissions (3):

Myriad Genetics, Inc.
Classification: Benign for Hereditary pheochromocytoma and paraganglioma. Last evaluated: 2026-07-30. Review status: criteria provided, single submitter. Criteria: Myriad Autosomal Dominant, Autosomal Recessive and X-Linked Classification Criteria (2023). Collection method: clinical testing. Allele origin: unknown.
Comment: This variant is considered benign. This variant is a silent/synonymous amino acid change and it is not expected to impact splicing.

Labcorp Genetics (formerly Invitae), Labcorp
Classification: Likely benign for Hereditary pheochromocytoma and paraganglioma. Last evaluated: 2025-07-24. Review status: criteria provided, single submitter. Criteria: Invitae Variant Classification Sherloc (09022015). Collection method: clinical testing. Allele origin: germline.

Ambry Genetics
Classification: Likely benign for Hereditary cancer-predisposing syndrome. Last evaluated: 2018-09-28. Review status: criteria provided, single submitter. Criteria: Ambry Variant Classification Scheme 2023. Collection method: clinical testing. Allele origin: germline.

NM_017849.4(TMEM127):c.486G>A (p.Lys162=)

Gene: TMEM127 (transmembrane protein 127; minus strand). Cytogenetic location: 2q11.2.
Variant type: single nucleotide variant.
Coding change: c.486G>A on transcript NM_017849.4 (MANE Select); coding-DNA position 486, G replaced by A.
Protein change: p.Lys162=; no amino-acid change (lysine 162 retained).
Molecular consequence: synonymous variant.
Genome position (GRCh38, 1-based): chr2:96,254,039, C>T on the plus strand (G>A on the coding strand, the complement: TMEM127 is on the minus strand). VCF-style: chr2-96254039-C-T. GRCh37 (hg19) VCF-style: chr2-96919777-C-T.
Other names: c.486G>A, p.Lys162= (NM_001193304.3).
Identifiers: ClinVar variation 825245 (VCV000825245.14), dbSNP rs536032990, ClinGen allele CA1777295.